The following is an entry in ClinVar:

ClinVar aggregate classification (germline): Uncertain significance (1 of 4 stars; one submission).

Submission:

Ambry Genetics
Classification: Uncertain significance. Last evaluated: 2021-10-03. Review status: criteria provided, single submitter. Criteria: Ambry Variant Classification Scheme 2023. Collection method: clinical testing. Allele origin: germline.
Comment: The p.P642L variant (also known as c.1925C>T), located in coding exon 9 of the PALLD gene, results from a C to T substitution at nucleotide position 1925. The proline at codon 642 is replaced by leucine, an amino acid with similar properties. This amino acid position is conserved. In addition, the in silico prediction for this alteration is inconclusive. Since supporting evidence is limited at this time, the clinical significance of this alteration remains unclear.

NM_001166108.2(PALLD):c.1925C>T (p.Pro642Leu)

Gene: PALLD (palladin, cytoskeletal associated protein; plus strand). Cytogenetic location: 4q32.3.
Variant type: single nucleotide variant.
Coding change: c.1925C>T on transcript NM_001166108.2 (MANE Select); coding-DNA position 1925, C replaced by T.
Protein change: p.Pro642Leu; replaces proline 642 with leucine.
Molecular consequence: missense variant.
Genome position (GRCh38, 1-based): chr4:168,711,884, C>T. VCF-style: chr4-168711884-C-T. GRCh37 (hg19) VCF-style: chr4-169633035-C-T.
Other names: c.779C>T, p.Pro260Leu (NM_001166109.2); c.1925C>T, p.Pro642Leu (NM_016081.4); short protein forms P642L, P260L.
Identifiers: ClinVar variation 1782756 (VCV001782756.2), dbSNP rs2531857527, ClinGen allele CA358798784.